The following is an entry in ClinVar:

NM_004082.5(DCTN1):c.418C>A (p.Pro140Thr)

Gene: DCTN1 (dynactin subunit 1; minus strand). Cytogenetic location: 2p13.1.
Variant type: single nucleotide variant.
Coding change: c.418C>A on transcript NM_004082.5 (MANE Select); coding-DNA position 418, C replaced by A.
Protein change: p.Pro140Thr; replaces proline 140 with threonine.
Molecular consequence: missense variant. On other transcripts: intron variant (3).
Genome position (GRCh38, 1-based): chr2:74,374,337, G>T on the plus strand (C>A on the coding strand, the complement: DCTN1 is on the minus strand). VCF-style: chr2-74374337-G-T. GRCh37 (hg19) VCF-style: chr2-74601464-G-T.
Other names: c.16C>A, p.Pro6Thr (NM_001135041.3, NM_023019.4); c.397C>A, p.Pro133Thr (NM_001190837.2); c.367C>A, p.Pro123Thr (NM_001378991.1); c.343-2609C>A (NM_001190836.2); c.364-1389C>A (NM_001378992.1); c.394-2609C>A (NM_001135040.3); short protein forms P133T, P123T, P6T, P140T.
Identifiers: ClinVar variation 1423623 (VCV001423623.8), dbSNP rs771966365, ClinGen allele CA1722472.

ClinVar aggregate classification (germline): Uncertain significance (1 of 4 stars; one submission).

Conditions:
Perry syndrome. Also called: PARKINSONISM WITH ALVEOLAR HYPOVENTILATION AND MENTAL DEPRESSION. Identifiers: Orphanet 178509, MedGen C1868594, MONDO:0008201, OMIM 168605.
Amyotrophic lateral sclerosis type 1 (ALS1). Also called: AMYOTROPHIC LATERAL SCLEROSIS 1, FAMILIAL. Identifiers: Orphanet 803, MedGen C1862939, MONDO:0007103, OMIM 105400.
Neuronopathy, distal hereditary motor, type 7B. Also called: HMN VIIB; LOWER MOTOR NEURON DISEASE, DYNACTIN TYPE; Distal Hereditary Motor Neuronopathy Type 7B (dHMN7B); NEURONOPATHY, DISTAL HEREDITARY MOTOR, AUTOSOMAL DOMINANT 14; NEURONOPATHY, DISTAL HEREDITARY MOTOR, HARDING TYPE VIIB; NEUROPATHY, DISTAL HEREDITARY MOTOR, HARDING TYPE VIIB. Identifiers: Orphanet 139589, MedGen C1843315, MONDO:0011879, OMIM 607641.

Allele frequency attached by ClinVar (database versions not stated): gnomAD exomes 0.00001 and 0.00003; ExAC 0.00003; TOPMed 0.00006.
gnomAD v4.1: 7 of 1,613,742 alleles (0.00043%); highest among the groups gnomAD compares: Admixed American, 0.012%; no homozygotes.

Submission:

Labcorp Genetics (formerly Invitae), Labcorp
Classification: Uncertain significance for Amyotrophic lateral sclerosis type 1; Neuronopathy, distal hereditary motor, type 7B; Perry syndrome. Last evaluated: 2025-09-08. Review status: criteria provided, single submitter. Criteria: Invitae Variant Classification Sherloc (09022015). Collection method: clinical testing. Allele origin: germline.
Comment: This sequence change replaces proline, which is neutral and non-polar, with threonine, which is neutral and polar, at codon 140 of the DCTN1 protein (p.Pro140Thr). This variant is present in population databases (rs771966365, gnomAD 0.02%). This missense change has been observed in individuals with clinical features of DCTN1-related conditions (internal data). ClinVar contains an entry for this variant (Variation ID: 1423623). Invitae Evidence Modeling of protein sequence and biophysical properties (such as structural, functional, and spatial information, amino acid conservation, physicochemical variation, residue mobility, and thermodynamic stability) indicates that this missense variant is not expected to disrupt DCTN1 protein function with a negative predictive value of 95%. In summary, the available evidence is currently insufficient to determine the role of this variant in disease. Therefore, it has been classified as a Variant of Uncertain Significance.